The following is an entry in ClinVar:

NM_005431.2(XRCC2):c.825T>G (p.Ser275Arg)

Gene: XRCC2 (X-ray repair cross complementing 2; minus strand). Cytogenetic location: 7q36.1.
Variant type: single nucleotide variant.
Coding change: c.825T>G on transcript NM_005431.2 (MANE Select); coding-DNA position 825, T replaced by G.
Protein change: p.Ser275Arg; replaces serine 275 with arginine.
Molecular consequence: missense variant.
Genome position (GRCh38, 1-based): chr7:152,648,660, A>C on the plus strand (T>G on the coding strand, the complement: XRCC2 is on the minus strand). VCF-style: chr7-152648660-A-C. GRCh37 (hg19) VCF-style: chr7-152345745-A-C.
Other names: short protein forms S275R.
Identifiers: ClinVar variation 827540 (VCV000827540.15), dbSNP rs770438650, ClinGen allele CA4582288.
Genomic context (GRCh38, chr7:152,648,660, plus strand): 5'-GGCTTGCGTAGTACCCTGCAAAAGACTATTTTATGATGTATATCAACAAAATTCAACCCC[A>C]CTTTCTCCAATAATAAAAAAATGTTTTTTTAAACTGTTACTTTTTAAACAACGTGAAACT-3'
Protein context (NP_005422.1, residues 265-280): LKKHFFIIGE[Ser275Arg]GVEFC

ClinVar aggregate classification (germline): Uncertain significance. Review status: criteria provided, multiple submitters, no conflicts (2 of 4 stars). 3 submissions from 3 submitters: Uncertain significance (3). Last evaluated 2024-05-29.

Conditions:
Premature ovarian failure 17. Identifiers: MedGen C5436889, MONDO:0030870, OMIM 619146.
Spermatogenic failure 50. Also called: Spermatogenic failures 50. Identifiers: MedGen C5436888, MONDO:0030869, OMIM 619145.
Fanconi anemia complementation group U. Identifiers: MedGen C4310651, MONDO:0014987, OMIM 617247.
Hereditary cancer-predisposing syndrome. Also called: Neoplastic Syndromes, Hereditary; Tumor predisposition; Hereditary neoplastic syndrome; Hereditary Cancer Syndrome. Identifiers: Orphanet 140162, MedGen C0027672, MeSH D009386, MONDO:0015356.

Allele frequency attached by ClinVar (database versions not stated): TOPMed 0.00002.
gnomAD v4.1: 58 of 1,603,630 alleles (0.0036%); highest among the groups gnomAD compares: Non-Finnish European, 0.00077%; no homozygotes.

Submissions (3):

Fulgent Genetics
Classification: Uncertain significance for Fanconi anemia complementation group U; Spermatogenic failure 50; Premature ovarian failure 17. Last evaluated: 2024-05-29. Review status: criteria provided, single submitter. Criteria: ACMG Guidelines, 2015. Collection method: clinical testing. Allele origin: germline.

Ambry Genetics
Classification: Uncertain significance for Hereditary cancer-predisposing syndrome. Last evaluated: 2023-09-13. Review status: criteria provided, single submitter. Criteria: Ambry Variant Classification Scheme 2023. Collection method: clinical testing. Allele origin: germline.
Comment: The p.S275R variant (also known as c.825T>G), located in coding exon 3 of the XRCC2 gene, results from a T to G substitution at nucleotide position 825. The serine at codon 275 is replaced by arginine, an amino acid with dissimilar properties. This amino acid position is not well conserved in available vertebrate species. In addition, this alteration is predicted to be tolerated by in silico analysis. Since supporting evidence is limited at this time, the clinical significance of this alteration remains unclear.

Labcorp Genetics (formerly Invitae), Labcorp
Classification: Uncertain significance. Last evaluated: 2023-05-31. Review status: criteria provided, single submitter. Criteria: Invitae Variant Classification Sherloc (09022015). Collection method: clinical testing. Allele origin: germline.
Comment: This sequence change replaces serine, which is neutral and polar, with arginine, which is basic and polar, at codon 275 of the XRCC2 protein (p.Ser275Arg). This variant is present in population databases (rs770438650, gnomAD 0.08%), and has an allele count higher than expected for a pathogenic variant. This variant has not been reported in the literature in individuals affected with XRCC2-related conditions. ClinVar contains an entry for this variant (Variation ID: 827540). Advanced modeling of protein sequence and biophysical properties (such as structural, functional, and spatial information, amino acid conservation, physicochemical variation, residue mobility, and thermodynamic stability) performed at Invitae indicates that this missense variant is not expected to disrupt XRCC2 protein function. In summary, the available evidence is currently insufficient to determine the role of this variant in disease. Therefore, it has been classified as a Variant of Uncertain Significance.